The following is an entry in ClinVar:

NM_014516.4(CNOT3):c.438G>A (p.Val146=)

Gene: CNOT3 (CCR4-NOT transcription complex subunit 3; plus strand). Cytogenetic location: 19q13.42.
Variant type: single nucleotide variant.
Coding change: c.438G>A on transcript NM_014516.4 (MANE Select); coding-DNA position 438, G replaced by A.
Protein change: p.Val146=; no amino-acid change (valine 146 retained).
Molecular consequence: synonymous variant.
Genome position (GRCh38, 1-based): chr19:54,144,287, G>A. VCF-style: chr19-54144287-G-A. GRCh37 (hg19) VCF-style: chr19-54648023-G-A.
Identifiers: ClinVar variation 3032591 (VCV003032591.6), dbSNP rs147391222, ClinGen allele CA309338716.
Genomic context (GRCh38, chr19:54,144,287, plus strand): 5'-CCTCCCCTAGAATACCATCGACACGCTCAACATGCAGGTGGACCAGTTTGAGAGTGAAGT[G>A]GAGTCACTGTCAGTGCAGACACGCAAGAAGAAGGGCGACAAGGATGTGAGTGAGGGAGAC-3'
Protein context (NP_055331.1, residues 136-156): NMQVDQFESE[Val146=]ESLSVQTRKK

ClinVar aggregate classification (germline): Likely benign. Review status: criteria provided, single submitter (1 of 4 stars). 2 submissions from 2 submitters: Likely benign (1). 1 of the submissions does not count toward it. Last evaluated 2026-03-01.

Conditions:
CNOT3-related disorder. Also called: CNOT3-related condition.

Allele frequency attached by ClinVar (database versions not stated): gnomAD exomes 0.00001; ExAC 0.00004; gnomAD 0.00008; TOPMed 0.00013; ESP Exome Variant Server 0.00015.
gnomAD v4.1: 24 of 1,613,934 alleles (0.0015%); highest among the groups gnomAD compares: African/African-American, 0.027%; no homozygotes.

Submissions (2):

CeGaT Center for Human Genetics Tuebingen
Classification: Likely benign. Last evaluated: 2026-03-01. Review status: criteria provided, single submitter. Criteria: CeGaT Center For Human Genetics Tuebingen Variant Classification Criteria Version 2. Collection method: clinical testing. Allele origin: germline. Affected: yes. Observed: 1 variant allele.
Comment: CNOT3: BP4, BP7

PreventionGenetics, part of Exact Sciences
Classification: Likely benign for CNOT3-related condition. Last evaluated: 2023-08-25. Review status: no assertion criteria provided. Collection method: clinical testing. Allele origin: germline. Not counted in ClinVar's aggregate classification.
Comment: This variant is classified as likely benign based on ACMG/AMP sequence variant interpretation guidelines (Richards et al. 2015 PMID: 25741868, with internal and published modifications).